The following is an entry in ClinVar:

NM_000497.4(CYP11B1):c.428G>A (p.Arg143Gln)

Genes: CYP11B1 (cytochrome P450 family 11 subfamily B member 1; minus strand), LOC106799833 (CYP11B1 recombination region; plus strand). Cytogenetic location: 8q24.3.
Variant type: single nucleotide variant.
Coding change: c.428G>A on transcript NM_000497.4 (MANE Select); coding-DNA position 428, G replaced by A.
Protein change: p.Arg143Gln; replaces arginine 143 with glutamine.
Molecular consequence: missense variant.
Genome position (GRCh38, 1-based): chr8:142,877,190, C>T on the plus strand (G>A on the coding strand, the complement: CYP11B1 is on the minus strand). VCF-style: chr8-142877190-C-T. GRCh37 (hg19) VCF-style: chr8-143958606-C-T.
Other names: c.428G>A, p.Arg143Gln (NM_001026213.1); short protein forms R143Q.
Identifiers: ClinVar variation 3375148 (VCV003375148.1).

ClinVar aggregate classification (germline): Uncertain significance (1 of 4 stars; one submission).

Submission:

Women's Health and Genetics/Laboratory Corporation of America, LabCorp
Classification: Uncertain significance. Last evaluated: 2024-09-27. Review status: criteria provided, single submitter. Criteria: LabCorp Variant Classification Summary - May 2015. Collection method: clinical testing. Allele origin: germline.
Comment: Variant summary: CYP11B1 c.428G>A (p.Arg143Gln) results in a conservative amino acid change in the encoded protein sequence. Five of five in-silico tools predict a benign effect of the variant on protein function. The variant was absent in 250704 control chromosomes. The available data on variant occurrences in the general population are insufficient to allow any conclusion about variant significance. To our knowledge, no occurrence of c.428G>A in individuals affected with Congenital Adrenal Hyperplasia and no experimental evidence demonstrating its impact on protein function have been reported. No submitters have cited clinical-significance assessments for this variant to ClinVar. Based on the evidence outlined above, the variant was classified as uncertain significance.